The following is an entry in ClinVar:

NM_001034116.2(EIF2B4):c.1060C>T (p.Arg354Trp)

Genes: EIF2B4 (eukaryotic translation initiation factor 2B subunit delta; minus strand), GTF3C2-AS2 (GTF3C2 antisense RNA 2; plus strand). Cytogenetic location: 2p23.3.
Variant type: single nucleotide variant.
Coding change: c.1060C>T on transcript NM_001034116.2 (MANE Select); coding-DNA position 1060, C replaced by T.
Protein change: p.Arg354Trp; replaces arginine 354 with tryptophan.
Molecular consequence: missense variant.
Genome position (GRCh38, 1-based): chr2:27,366,890, G>A on the plus strand (C>T on the coding strand, the complement: EIF2B4 is on the minus strand). VCF-style: chr2-27366890-G-A. GRCh37 (hg19) VCF-style: chr2-27589757-G-A.
Other names: c.1123C>T, p.Arg375Trp (NM_001318965.2); c.1015C>T, p.Arg339Trp (NM_001318966.2); c.967C>T, p.Arg323Trp (NM_001318967.2); c.475C>T, p.Arg159Trp (NM_001318968.2); c.442C>T, p.Arg148Trp (NM_001318969.2); c.1057C>T, p.Arg353Trp (NM_015636.4); c.1120C>T, p.Arg374Trp (NM_172195.4); c.1057C>T (NM_015636.3); short protein forms R339W, R374W, R159W, R323W, R354W, R375W, R148W, R353W.
Identifiers: ClinVar variation 2180337 (VCV002180337.2), dbSNP rs779319688, ClinGen allele CA1576665.

ClinVar aggregate classification (germline): Uncertain significance. Review status: criteria provided, multiple submitters, no conflicts (2 of 4 stars). 2 submissions from 2 submitters: Uncertain significance (2). Last evaluated 2023-10-25.

Conditions:
Inborn genetic diseases. Identifiers: MedGen C0950123, MeSH D030342.

Allele frequency attached by ClinVar (database versions not stated): gnomAD 0.00001.
gnomAD v4.1: 14 of 1,614,048 alleles (0.00087%); highest among the groups gnomAD compares: Admixed American, 0.005%; no homozygotes.

Submissions (2):

Ambry Genetics
Classification: Uncertain significance for Inborn genetic diseases. Last evaluated: 2023-10-25. Review status: criteria provided, single submitter. Criteria: Ambry Variant Classification Scheme 2023. Collection method: clinical testing. Allele origin: germline.

Labcorp Genetics (formerly Invitae), Labcorp
Classification: Uncertain significance. Last evaluated: 2022-07-23. Review status: criteria provided, single submitter. Criteria: Invitae Variant Classification Sherloc (09022015). Collection method: clinical testing. Allele origin: germline.
Comment: This sequence change replaces arginine, which is basic and polar, with tryptophan, which is neutral and slightly polar, at codon 353 of the EIF2B4 protein (p.Arg353Trp). This variant is present in population databases (rs779319688, gnomAD 0.009%). This variant has not been reported in the literature in individuals affected with EIF2B4-related conditions. Algorithms developed to predict the effect of missense changes on protein structure and function are either unavailable or do not agree on the potential impact of this missense change (SIFT: "Deleterious"; PolyPhen-2: "Possibly Damaging"; Align-GVGD: "Class C0"). In summary, the available evidence is currently insufficient to determine the role of this variant in disease. Therefore, it has been classified as a Variant of Uncertain Significance.